The following is an entry in ClinVar:

ClinVar aggregate classification (germline): Uncertain significance (1 of 4 stars; one submission).

Conditions:
Hereditary pancreatitis (PCTT). Also called: Hereditary chronic pancreatitis; PRSS1-Related Hereditary Pancreatitis. Identifiers: Orphanet 676, MedGen C0238339, MONDO:0008185, OMIM 167800.

Submission:

Ambry Genetics
Classification: Uncertain significance for Hereditary pancreatitis. Last evaluated: 2023-11-11. Review status: criteria provided, single submitter. Criteria: Ambry Variant Classification Scheme 2023. Collection method: clinical testing. Allele origin: germline.
Comment: The p.P132L variant (also known as c.395C>T), located in coding exon 3 of the PRSS1 gene, results from a C to T substitution at nucleotide position 395. The proline at codon 132 is replaced by leucine, an amino acid with similar properties. This amino acid position is conserved. In addition, the in silico prediction for this alteration is inconclusive. Since supporting evidence is limited at this time, the clinical significance of this alteration remains unclear.

NM_002769.5(PRSS1):c.395C>T (p.Pro132Leu)

Genes: TRB (T cell receptor beta locus; plus strand), PRSS1 (serine protease 1; plus strand). Cytogenetic location: 7q34.
Variant type: single nucleotide variant.
Coding change: c.395C>T on transcript NM_002769.5 (MANE Select); coding-DNA position 395, C replaced by T.
Protein change: p.Pro132Leu; replaces proline 132 with leucine.
Molecular consequence: missense variant. On other transcripts: non-coding transcript variant (5).
Genome position (GRCh38, 1-based): chr7:142,751,968, C>T. VCF-style: chr7-142751968-C-T. GRCh37 (hg19) VCF-style: chr7-142459819-C-T.
Other names: short protein forms P132L.
Identifiers: ClinVar variation 3222806 (VCV003222806.1), dbSNP rs759452330, ClinGen allele CA369609050.